The following is an entry in ClinVar:

ClinVar aggregate classification (germline): Benign/Likely benign. Review status: criteria provided, multiple submitters, no conflicts (2 of 4 stars). 3 submissions from 3 submitters: Benign (1); Likely benign (1). 1 of the submissions does not count toward it. Last evaluated 2025-09-21.

Conditions:
TENM3-related disorder. Also called: TENM3-related condition.

Allele frequency attached by ClinVar (database versions not stated): gnomAD exomes 0.00032; ExAC 0.00091; 1000 Genomes Project 0.00280; ESP Exome Variant Server 0.00291; gnomAD 0.00304; TOPMed 0.00341; 1000 Genomes Project 30x 0.00344.
gnomAD v4.1: 951 of 1,613,950 alleles (0.059%); highest among the groups gnomAD compares: African/African-American, 1.1%; 4 homozygotes.

Submissions (3):

Labcorp Genetics (formerly Invitae), Labcorp
Classification: Benign. Last evaluated: 2025-09-21. Review status: criteria provided, single submitter. Criteria: Invitae Variant Classification Sherloc (09022015). Collection method: clinical testing. Allele origin: germline.

Blueprint Genetics
Classification: Likely benign. Last evaluated: 2024-07-24. Review status: criteria provided, single submitter. Criteria: ACMG Guidelines, 2015. Collection method: clinical testing. Allele origin: germline.

PreventionGenetics, part of Exact Sciences
Classification: Benign for TENM3-related condition. Last evaluated: 2024-07-10. Review status: no assertion criteria provided. Collection method: clinical testing. Allele origin: germline. Not counted in ClinVar's aggregate classification.
Comment: This variant is classified as benign based on ACMG/AMP sequence variant interpretation guidelines (Richards et al. 2015 PMID: 25741868, with internal and published modifications).

NM_001080477.4(TENM3):c.2118C>T (p.Ala706=)

Gene: TENM3 (teneurin transmembrane protein 3; plus strand). Cytogenetic location: 4q35.1.
Variant type: single nucleotide variant.
Coding change: c.2118C>T on transcript NM_001080477.4 (MANE Select); coding-DNA position 2118, C replaced by T.
Protein change: p.Ala706=; no amino-acid change (alanine 706 retained).
Molecular consequence: synonymous variant.
Genome position (GRCh38, 1-based): chr4:182,688,248, C>T. VCF-style: chr4-182688248-C-T. GRCh37 (hg19) VCF-style: chr4-183609401-C-T.
Other names: c.1302C>T, p.Ala434= (NM_001415960.1, NM_001415961.1, NM_001415962.1 and 2 more transcripts); c.1839C>T, p.Ala613= (NM_001415966.1, NM_001415967.1, NM_001415976.1 and 1 more transcripts); c.2118C>T, p.Ala706= (NM_001415968.1, NM_001415969.1, NM_001415970.1 and 4 more transcripts); c.2118C>T (NM_001080477.3).
Identifiers: ClinVar variation 2038934 (VCV002038934.6), dbSNP rs181769874, ClinGen allele CA3147897.
Genomic context (GRCh38, chr4:182,688,248, plus strand): 5'-CTCACACGGCGTTTGCATGGGGGGGACGTGTCGCTGTGAAGAAGGCTGGACGGGCCCAGC[C>T]TGTAATCAGAGAGCCTGCCACCCCCGCTGTGCCGAGCACGGGACCTGCAAGGATGGCAAG-3'
Protein context (NP_001073946.1, residues 696-716): CRCEEGWTGP[Ala706=]CNQRACHPRC